The following is an entry in ClinVar:

NM_006329.4(FBLN5):c.1232A>G (p.Lys411Arg)

Gene: FBLN5 (fibulin 5; minus strand). Cytogenetic location: 14q32.12.
Variant type: single nucleotide variant.
Coding change: c.1232A>G on transcript NM_006329.4 (MANE Select); coding-DNA position 1232, A replaced by G.
Protein change: p.Lys411Arg; replaces lysine 411 with arginine.
Molecular consequence: missense variant. On other transcripts: 3 prime UTR variant (2).
Genome position (GRCh38, 1-based): chr14:91,870,339, T>C on the plus strand (A>G on the coding strand, the complement: FBLN5 is on the minus strand). VCF-style: chr14-91870339-T-C. GRCh37 (hg19) VCF-style: chr14-92336683-T-C.
Other names: c.1355A>G, p.Lys452Arg (NM_001384158.1); c.1283A>G, p.Lys428Arg (NM_001384159.1); c.*16A>G (NM_001384160.1, NM_001384161.1); c.1064A>G, p.Lys355Arg (NM_001384162.1); short protein forms K355R, K428R, K452R, K411R.
Identifiers: ClinVar variation 1956967 (VCV001956967.5), dbSNP rs1233199832, ClinGen allele CA390639386.

ClinVar aggregate classification (germline): Uncertain significance (1 of 4 stars; one submission).

Allele frequency attached by ClinVar (database versions not stated): gnomAD exomes below 0.00001.
gnomAD v4.1: 3 of 1,614,078 alleles (0.00019%); highest among the groups gnomAD compares: African/African-American, 0.0013%; no homozygotes.

Submission:

Labcorp Genetics (formerly Invitae), Labcorp
Classification: Uncertain significance. Last evaluated: 2022-10-20. Review status: criteria provided, single submitter. Criteria: Invitae Variant Classification Sherloc (09022015). Collection method: clinical testing. Allele origin: germline.
Comment: This variant has not been reported in the literature in individuals affected with FBLN5-related conditions. This sequence change replaces lysine, which is basic and polar, with arginine, which is basic and polar, at codon 411 of the FBLN5 protein (p.Lys411Arg). This variant is present in population databases (no rsID available, gnomAD 0.0009%). Advanced modeling of protein sequence and biophysical properties (such as structural, functional, and spatial information, amino acid conservation, physicochemical variation, residue mobility, and thermodynamic stability) performed at Invitae indicates that this missense variant is not expected to disrupt FBLN5 protein function. In summary, the available evidence is currently insufficient to determine the role of this variant in disease. Therefore, it has been classified as a Variant of Uncertain Significance.